The following is an entry in ClinVar:

NM_004525.3(LRP2):c.11986G>A (p.Glu3996Lys)

Gene: LRP2 (LDL receptor related protein 2; minus strand). Cytogenetic location: 2q31.1.
Variant type: single nucleotide variant.
Coding change: c.11986G>A on transcript NM_004525.3 (MANE Select); coding-DNA position 11986, G replaced by A.
Protein change: p.Glu3996Lys; replaces glutamic acid 3996 with lysine.
Molecular consequence: missense variant.
Genome position (GRCh38, 1-based): chr2:169,157,404, C>T on the plus strand (G>A on the coding strand, the complement: LRP2 is on the minus strand). VCF-style: chr2-169157404-C-T. GRCh37 (hg19) VCF-style: chr2-170013914-C-T.
Other names: c.11986G>A (NM_004525.2); short protein forms E3996K.
Identifiers: ClinVar variation 1422424 (VCV001422424.6), dbSNP rs754365114, ClinGen allele CA349138279.

ClinVar aggregate classification (germline): Uncertain significance. Review status: criteria provided, multiple submitters, no conflicts (2 of 4 stars). 2 submissions from 2 submitters: Uncertain significance (2). Last evaluated 2026-04-12.

Conditions:
LRP2-related disorder. Also called: LRP2-related condition.

gnomAD v4.1: 20 of 1,613,318 alleles (0.0012%); highest among the groups gnomAD compares: Admixed American, 0.005%; no homozygotes.

Submissions (2):

PreventionGenetics, part of Exact Sciences
Classification: Uncertain significance for LRP2-related condition. Last evaluated: 2026-04-12. Review status: criteria provided, single submitter. Criteria: ACMG Guidelines, 2015. Collection method: clinical testing. Allele origin: germline.
Comment: The LRP2 c.11986G>A variant is predicted to result in the amino acid substitution p.Glu3996Lys. To our knowledge, this variant has not been reported in the literature. This variant is reported in 0.0033% of alleles in individuals of South Asian descent in gnomAD. At this time, the clinical significance of this variant is uncertain due to the absence of conclusive functional and genetic evidence.

Labcorp Genetics (formerly Invitae), Labcorp
Classification: Uncertain significance. Last evaluated: 2022-08-23. Review status: criteria provided, single submitter. Criteria: Invitae Variant Classification Sherloc (09022015). Collection method: clinical testing. Allele origin: germline.
Comment: This sequence change replaces glutamic acid, which is acidic and polar, with lysine, which is basic and polar, at codon 3996 of the LRP2 protein (p.Glu3996Lys). This variant is present in population databases (no rsID available, gnomAD 0.003%). This variant has not been reported in the literature in individuals affected with LRP2-related conditions. ClinVar contains an entry for this variant (Variation ID: 1422424). Advanced modeling of protein sequence and biophysical properties (such as structural, functional, and spatial information, amino acid conservation, physicochemical variation, residue mobility, and thermodynamic stability) performed at Invitae indicates that this missense variant is not expected to disrupt LRP2 protein function. In summary, the available evidence is currently insufficient to determine the role of this variant in disease. Therefore, it has been classified as a Variant of Uncertain Significance.